The following is an entry in ClinVar:

ClinVar aggregate classification (germline): Pathogenic (1 of 4 stars; one submission).

Conditions:
Congenital hyperammonemia, type I. Also called: Carbamoyl-phosphate synthase I deficiency; Carbamoyl phosphate synthetase 1 deficiency; Hyperammonemia due to carbamoyl phosphate synthetase 1 deficiency; CPS 1 deficiency; Carbamyl phosphate synthetase (CPS) deficiency; Carbamoyl phosphate synthetase I deficiency disease. Identifiers: Orphanet 147, MedGen C4082171, MONDO:0009376, OMIM 237300.

Submission:

Labcorp Genetics (formerly Invitae), Labcorp
Classification: Pathogenic for Congenital hyperammonemia, type I. Last evaluated: 2025-02-03. Review status: criteria provided, single submitter. Criteria: Invitae Variant Classification Sherloc (09022015). Collection method: clinical testing. Allele origin: germline.
Comment: This sequence change affects a donor splice site in intron 34 of the CPS1 gene. It is expected to disrupt RNA splicing. Variants that disrupt the donor or acceptor splice site typically lead to a loss of protein function (PMID: 16199547), and loss-of-function variants in CPS1 are known to be pathogenic (PMID: 21120950). This variant is not present in population databases (gnomAD no frequency). Disruption of this splice site has been observed in individual(s) with carbamoyl phosphate synthetase I deficiency (PMID: 19793055). In at least one individual the data is consistent with being in trans (on the opposite chromosome) from a pathogenic variant. It has also been observed to segregate with disease in related individuals. Algorithms developed to predict the effect of sequence changes on RNA splicing suggest that this variant may disrupt the consensus splice site. For these reasons, this variant has been classified as Pathogenic.

Literature cited by the submitters: PubMed 16199547; PubMed 21120950; PubMed 19793055.

NM_001875.5(CPS1):c.4101+1G>A

Gene: CPS1 (carbamoyl-phosphate synthase 1; plus strand). Cytogenetic location: 2q34.
Variant type: single nucleotide variant.
Coding change: c.4101+1G>A on transcript NM_001875.5 (MANE Select); the canonical splice donor site of the intron after coding-DNA position 4101, G replaced by A.
Molecular consequence: splice donor variant.
Genome position (GRCh38, 1-based): chr2:210,668,285, G>A. VCF-style: chr2-210668285-G-A. GRCh37 (hg19) VCF-style: chr2-211533009-G-A.
Other names: c.4101+1G>A (NM_001369257.1, NM_001122633.3); c.4134+1G>A (NM_001369256.1).
Identifiers: ClinVar variation 3671891 (VCV003671891.2).